The following is an entry in ClinVar:

ClinVar aggregate classification (germline): Uncertain significance (1 of 4 stars; one submission).

Submission:

Labcorp Genetics (formerly Invitae), Labcorp
Classification: Uncertain significance. Last evaluated: 2023-02-01. Review status: criteria provided, single submitter. Criteria: Invitae Variant Classification Sherloc (09022015). Collection method: clinical testing. Allele origin: unknown.
Comment: In summary, the available evidence is currently insufficient to determine the role of this variant in disease. Therefore, it has been classified as a Variant of Uncertain Significance. This variant has not been reported in the literature in individuals affected with PPM1F-related conditions. A gross deletion of the genomic region encompassing the full coding sequence of the PPM1F gene has been identified. The current clinical and genetic evidence is not sufficient to establish whether loss-of-function variants in PPM1F cause disease. The boundaries of this event are unknown as they extend beyond the assayed region for this gene and therefore may encompass additional genes.

NC_000022.10:g.(?_22277465)_(22300420_?)del

Genes: PPM1F (protein phosphatase, Mg2+/Mn2+ dependent 1F; minus strand), PPM1F-AS1 (PPM1F antisense RNA 1; plus strand). Cytogenetic location: 22q11.22.
Variant type: Deletion.
Identifiers: ClinVar variation 3248118 (VCV003248118.1).